The following is an entry in ClinVar:

ClinVar aggregate classification (germline): Benign. Review status: criteria provided, multiple submitters, no conflicts (2 of 4 stars). 6 submissions from 5 submitters: Benign (6). Last evaluated 2026-01-19.

Conditions:
Exostoses, multiple, type 2 (EXT2). Also called: Hereditary Multiple Osteochondromatosis, Type II; EXOSTOSES, MULTIPLE, TYPE II. Identifiers: Orphanet 321, MedGen C1851413, MONDO:0007586, OMIM 133701.
Exostoses, multiple, type 1 (EXT1). Also called: Hereditary Multiple Osteochondromatosis, Type I; EXOSTOSES, MULTIPLE, TYPE I. Identifiers: MedGen CN263289, MONDO:0007585, OMIM 133700.

Allele frequency attached by ClinVar (database versions not stated): ESP Exome Variant Server 0.20871; gnomAD 0.23855 and 0.24516; TOPMed 0.24638; gnomAD exomes 0.29269 and 0.31765; 1000 Genomes Project 30x 0.29731; 1000 Genomes Project 0.30052; ExAC 0.30284.
gnomAD v4.1: 454,749 of 1,580,138 alleles (29%); highest among the groups gnomAD compares: Admixed American, 49%; 70,507 homozygotes.

Submissions (6):

Labcorp Genetics (formerly Invitae), Labcorp
Classification: Benign for Exostoses, multiple, type 2. Last evaluated: 2026-01-19. Review status: criteria provided, single submitter. Criteria: Invitae Variant Classification Sherloc (09022015). Collection method: clinical testing. Allele origin: germline.

KCCC/NGS Laboratory, Kuwait Cancer Control Center
Classification: Benign for Exostoses, multiple, type 2. Last evaluated: 2025-02-01. Review status: criteria provided, single submitter. Criteria: ACMG Guidelines, 2015. Collection method: clinical testing. Allele origin: germline. Affected: no.

KCCC/NGS Laboratory, Kuwait Cancer Control Center
Classification: Benign for Exostoses, multiple, type 1. Last evaluated: 2023-07-07. Review status: criteria provided, single submitter. Criteria: ACMG Guidelines, 2015. Collection method: clinical testing. Allele origin: germline. Affected: yes.

GeneDx
Classification: Benign. Last evaluated: 2015-03-03. Review status: criteria provided, single submitter. Criteria: GeneDx Variant Classification Process June 2021. Collection method: clinical testing. Allele origin: germline. Affected: yes.
Comment: This variant is associated with the following publications: (PMID: 17293876, 23052945)

Breakthrough Genomics
Classification: Benign. Review status: criteria provided, single submitter. Criteria: ACMG Guidelines, 2015. Collection method: not provided. Allele origin: germline. Inheritance: Autosomal recessive inheritance. Affected: yes.

PreventionGenetics, part of Exact Sciences
Classification: Benign. Review status: criteria provided, single submitter. Criteria: ACMG Guidelines, 2015. Collection method: clinical testing. Allele origin: germline.

NM_207122.2(EXT2):c.1936-41T>C

Gene: EXT2 (exostosin glycosyltransferase 2; plus strand). Cytogenetic location: 11p11.2.
Variant type: single nucleotide variant.
Coding change: c.1936-41T>C on transcript NM_207122.2 (MANE Select); 41 bases into the intron before coding-DNA position 1936, T replaced by C.
Molecular consequence: intron variant.
Genome position (GRCh38, 1-based): chr11:44,236,252, T>C. VCF-style: chr11-44236252-T-C. GRCh37 (hg19) VCF-style: chr11-44257802-T-C.
Other names: c.1936-41T>C (NM_001389630.1, NM_001389628.1); c.1966-41T>C (NM_001178083.3); c.2035-41T>C (NM_000401.3).
Identifiers: ClinVar variation 263290 (VCV000263290.15), dbSNP rs3740878, ClinGen allele CA5955402.